The following is an entry in ClinVar:

ClinVar aggregate classification (germline): Uncertain significance (1 of 4 stars; one submission).

Allele frequency attached by ClinVar (database versions not stated): ExAC 0.00001.

Submission:

Labcorp Genetics (formerly Invitae), Labcorp
Classification: Uncertain significance. Last evaluated: 2022-03-14. Review status: criteria provided, single submitter. Criteria: Invitae Variant Classification Sherloc (09022015). Collection method: clinical testing. Allele origin: germline.
Comment: In summary, the available evidence is currently insufficient to determine the role of this variant in disease. Therefore, it has been classified as a Variant of Uncertain Significance. Algorithms developed to predict the effect of missense changes on protein structure and function (SIFT, PolyPhen-2, Align-GVGD) all suggest that this variant is likely to be disruptive. This variant has not been reported in the literature in individuals affected with DYNC2LI1-related conditions. This variant is not present in population databases (gnomAD no frequency). This sequence change replaces tyrosine, which is neutral and polar, with cysteine, which is neutral and slightly polar, at codon 66 of the DYNC2LI1 protein (p.Tyr66Cys).

NM_016008.4(DYNC2LI1):c.197A>G (p.Tyr66Cys)

Gene: DYNC2LI1 (dynein cytoplasmic 2 light intermediate chain 1; plus strand). Cytogenetic location: 2p21.
Variant type: single nucleotide variant.
Coding change: c.197A>G on transcript NM_016008.4 (MANE Select); coding-DNA position 197, A replaced by G.
Protein change: p.Tyr66Cys; replaces tyrosine 66 with cysteine.
Molecular consequence: missense variant.
Genome position (GRCh38, 1-based): chr2:43,787,216, A>G. VCF-style: chr2-43787216-A-G. GRCh37 (hg19) VCF-style: chr2-44014355-A-G.
Other names: c.197A>G, p.Tyr66Cys (NM_001193464.2, NM_001348912.2, NM_001348913.2 and 1 more transcripts); short protein forms Y66C.
Identifiers: ClinVar variation 2112233 (VCV002112233.4), dbSNP rs751652955, ClinGen allele CA1635722.